The following is an entry in ClinVar:

ClinVar aggregate classification (germline): Uncertain significance (1 of 4 stars; one submission).

Allele frequency attached by ClinVar (database versions not stated): ExAC 0.00002; gnomAD 0.00003; TOPMed 0.00003.
gnomAD v4.1: 36 of 1,613,132 alleles (0.0022%); highest among the groups gnomAD compares: Non-Finnish European, 0.0029%; no homozygotes.

Submission:

Labcorp Genetics (formerly Invitae), Labcorp
Classification: Uncertain significance. Last evaluated: 2023-10-05. Review status: criteria provided, single submitter. Criteria: Invitae Variant Classification Sherloc (09022015). Collection method: clinical testing. Allele origin: germline.
Comment: This sequence change falls in intron 3 of the RPS27 gene. It does not directly change the encoded amino acid sequence of the RPS27 protein. This variant is present in population databases (rs775007778, gnomAD 0.004%). This variant has not been reported in the literature in individuals affected with RPS27-related conditions. In summary, the available evidence is currently insufficient to determine the role of this variant in disease. Therefore, it has been classified as a Variant of Uncertain Significance.

NM_001030.6(RPS27):c.227-13C>T

Gene: RPS27 (ribosomal protein S27; plus strand). Cytogenetic location: 1q21.3.
Variant type: single nucleotide variant.
Coding change: c.227-13C>T on transcript NM_001030.6 (MANE Select); 13 bases into the intron before coding-DNA position 227, C replaced by T.
Molecular consequence: intron variant.
Genome position (GRCh38, 1-based): chr1:153,992,052, C>T. VCF-style: chr1-153992052-C-T. GRCh37 (hg19) VCF-style: chr1-153964528-C-T.
Other names: c.131-13C>T (NM_001349947.2, NM_001349946.2).
Identifiers: ClinVar variation 2870925 (VCV002870925.3), dbSNP rs775007778, ClinGen allele CA1123930.